The following is an entry in ClinVar:

NM_016169.4(SUFU):c.1013A>T (p.Asp338Val)

Gene: SUFU (SUFU negative regulator of hedgehog signaling; plus strand). Cytogenetic location: 10q24.32.
Variant type: single nucleotide variant.
Coding change: c.1013A>T on transcript NM_016169.4 (MANE Select); coding-DNA position 1013, A replaced by T.
Protein change: p.Asp338Val; replaces aspartic acid 338 with valine.
Molecular consequence: missense variant.
Genome position (GRCh38, 1-based): chr10:102,599,535, A>T. VCF-style: chr10-102599535-A-T. GRCh37 (hg19) VCF-style: chr10-104359292-A-T.
Other names: c.1013A>T, p.Asp338Val (NM_001178133.2); short protein forms D338V.
Identifiers: ClinVar variation 3226849 (VCV003226849.1), dbSNP rs2545101150, ClinGen allele CA377911200.
Genomic context (GRCh38, chr10:102,599,535, plus strand): 5'-TCAACAGCAAACCTGTCCTTCCACCAATCAACCCTCAGCGGCAGAATGGCCTCGCCCACG[A>T]CCGGGCCCCGTAAGTTCCCCAGTGTCCCTGGGCTGGAACAAGAGGACGACTTTTTTCTGA-3'
Protein context (NP_057253.2, residues 328-348): NPQRQNGLAH[Asp338Val]RAPSRKDSLE

ClinVar aggregate classification (germline): Uncertain significance (1 of 4 stars; one submission).

Conditions:
Hereditary cancer-predisposing syndrome. Also called: Neoplastic Syndromes, Hereditary; Tumor predisposition; Hereditary neoplastic syndrome; Hereditary Cancer Syndrome. Identifiers: Orphanet 140162, MedGen C0027672, MeSH D009386, MONDO:0015356.

Submission:

Ambry Genetics
Classification: Uncertain significance for Hereditary cancer-predisposing syndrome. Last evaluated: 2023-10-13. Review status: criteria provided, single submitter. Criteria: Ambry Variant Classification Scheme 2023. Collection method: clinical testing. Allele origin: germline.
Comment: The p.D338V variant (also known as c.1013A>T), located in coding exon 8 of the SUFU gene, results from an A to T substitution at nucleotide position 1013. The aspartic acid at codon 338 is replaced by valine, an amino acid with highly dissimilar properties. This amino acid position is conserved. In addition, the in silico prediction for this alteration is inconclusive. Since supporting evidence is limited at this time, the clinical significance of this alteration remains unclear.